The following is an entry in ClinVar:

NM_001113378.2(FANCI):c.701_702del (p.Ile234fs)

Gene: FANCI (FA complementation group I; plus strand). Cytogenetic location: 15q26.1.
Variant type: Deletion.
Coding change: c.701_702del on transcript NM_001113378.2 (MANE Select); coding-DNA positions 701 to 702, 2 bases deleted (TA; older notation c.701_702delTA).
Protein change: p.Ile234fs; shifts the reading frame from isoleucine 234.
Molecular consequence: frameshift variant.
Genome position (GRCh38, 1-based): chr15:89,264,553-89,264,554, TA deleted; deleting any 2 consecutive bases within chr15:89,264,552-89,264,554 gives the same sequence; the c. name uses the placement nearest the transcript's 3' end. VCF-style (leftmost placement, unchanged base first): chr15-89264551-CAT-C. GRCh37 (hg19) VCF-style: chr15-89807782-CAT-C.
Other names: c.422_423del, p.Ile141fs (NM_001376910.1); c.701_702del, p.Ile234fs (NM_001376911.1, NM_018193.3); short protein forms I141fs, I234fs.
Identifiers: ClinVar variation 3241603 (VCV003241603.3), dbSNP rs2505983816.
Genomic context (GRCh38, chr15:89,264,551, plus strand): 5'-GGAGACCTTACCAATTTTGTATTGTTTTCAGGGAAGCAGAAAGAGTGTTTTGGAAGGAAT[CAT>C]AGCCTTCTTCAGTGCACTAGATAAGCAGCACAATGAGGAACAGAGTGGTGACGAGTGAGT-3'

ClinVar aggregate classification (germline): Likely pathogenic. Review status: criteria provided, multiple submitters, no conflicts (2 of 4 stars). 2 submissions from 2 submitters: Likely pathogenic (2). Last evaluated 2024-02-22.

Conditions:
Fanconi anemia complementation group I (FANCI). Also called: FANCI-Related Fanconi Anemia. Identifiers: Orphanet 84, MedGen C1836861, MONDO:0012186, OMIM 609053.

Submissions (2):

Baylor Genetics
Classification: Likely pathogenic for Fanconi anemia complementation group I. Last evaluated: 2024-02-22. Review status: criteria provided, single submitter. Criteria: ACMG Guidelines, 2015. Collection method: clinical testing. Allele origin: unknown.

Juno Genomics, Hangzhou Juno Genomics, Inc
Classification: Likely pathogenic for Fanconi anemia complementation group I. Review status: criteria provided, single submitter. Criteria: ACMG Guidelines, 2015. Collection method: clinical testing. Allele origin: germline.
Comment: Absent from controls (or at extremely low frequency if recessive) in Genome Aggregation Database.;Null variant in a gene where loss of function (LOF) is a known mechanism of disease.